The following is an entry in ClinVar:

ClinVar aggregate classification (germline): Likely pathogenic (1 of 4 stars; one submission).

Conditions:
Cardiovascular phenotype. Identifiers: MedGen CN230736.

Submission:

Ambry Genetics
Classification: Likely pathogenic for Cardiovascular phenotype. Last evaluated: 2026-04-24. Review status: criteria provided, single submitter. Criteria: Ambry Variant Classification Scheme 2023. Collection method: clinical testing. Allele origin: germline.
Comment: The c.953delC variant, located in coding exon 3 of the APOA5 gene, results from a deletion of one nucleotide at nucleotide position 953, causing a translational frameshift with a predicted alternate stop codon (p.P318Hfs*20). This variant occurs at the 3' terminus of the gene, is not expected to trigger nonsense-mediated mRNA decay, and impacts the last 13% of the protein. However, premature stop codons are typically deleterious in nature, a significant portion of the protein is affected, and the impacted region is critical for protein function (Ambry internal data). This variant is considered to be rare based on population cohorts in the Genome Aggregation Database (gnomAD). Based on the majority of available evidence to date, this variant is likely to be pathogenic.

NM_001371904.1(APOA5):c.953del (p.Pro318fs)

Gene: APOA5 (apolipoprotein A5; minus strand). Cytogenetic location: 11q23.3.
Variant type: Deletion.
Coding change: c.953del on transcript NM_001371904.1 (MANE Select); coding-DNA position 953, one base deleted (C; older notation c.953delC).
Protein change: p.Pro318fs; shifts the reading frame from proline 318.
Molecular consequence: frameshift variant.
Genome position (GRCh38, 1-based): chr11:116,790,276, G deleted on the plus strand (C on the coding strand, the reverse complement: APOA5 is on the minus strand); the first of 2 consecutive G bases (chr11:116,790,276-116,790,277); deleting either gives the same sequence. VCF-style (leftmost placement, unchanged base first): chr11-116790275-TG-T. GRCh37 (hg19) VCF-style: chr11-116660991-TG-T.
Other names: c.953del, p.Pro318fs (NM_001166598.2, NM_052968.5); short protein forms P318fs.
Identifiers: ClinVar variation 4862238 (VCV004862238.1).